The following is an entry in ClinVar:

ClinVar aggregate classification (germline): Benign/Likely benign. Review status: criteria provided, multiple submitters, no conflicts (2 of 4 stars). 9 submissions from 9 submitters: Benign (3); Likely benign (3). 3 of the submissions do not count toward it. Last evaluated 2026-02-04.

Conditions:
Peroxisome biogenesis disorder 1A (Zellweger) (PBD1A). Also called: Peroxisome biogenesis disorder 1a; Zellweger leukodystrophy. Identifiers: MedGen C4721541, MONDO:0008953, OMIM 214100.
Peroxisome biogenesis disorder 1B (PBD1B). Also called: PEROXISOME BIOGENESIS DISORDER (NEONATAL ADRENOLEUKODYSTROPHY/INFANTILE REFSUM DISEASE); INFANTILE PHYTANIC ACID STORAGE DISEASE; Refsum disease, infantile form; Infantile Refsum disease; Infantile form of phytanic acid storage disease; PEROXISOME BIOGENESIS DISORDER (NALD/IRD). Identifiers: Orphanet 44, MedGen C0282527, MONDO:0011101, OMIM 601539.
Heimler syndrome 1 (HMLR1). Also called: PEROXISOME BIOGENESIS DISORDER 1C. Identifiers: Orphanet 3220, MedGen C4551980, OMIM 234580, MONDO:0024544.
Zellweger spectrum disorders (ZS). Also called: Zellweger syndrome; Zellweger Spectrum Disorder (ZSD); Zellweger Spectrum Disorder; Zellweger Spectrum. Identifiers: Orphanet 912, MedGen C0043459, MONDO:0019609.

Allele frequency attached by ClinVar (database versions not stated): gnomAD exomes 0.00065 and 0.00171; ExAC 0.00213; ESP Exome Variant Server 0.00718; 1000 Genomes Project 0.00719; 1000 Genomes Project 30x 0.00734; gnomAD 0.00740 and 0.00803; TOPMed 0.00835.
gnomAD v4.1: 2,111 of 1,582,928 alleles (0.13%); highest among the groups gnomAD compares: African/African-American, 2.6%; 28 homozygotes.

Submissions (9):

Labcorp Genetics (formerly Invitae), Labcorp
Classification: Benign for Zellweger spectrum disorders. Last evaluated: 2026-02-04. Review status: criteria provided, single submitter. Criteria: Invitae Variant Classification Sherloc (09022015). Collection method: clinical testing. Allele origin: germline.

Fulgent Genetics
Classification: Likely benign for Peroxisome biogenesis disorder 1A (Zellweger); Heimler syndrome 1; Peroxisome biogenesis disorder 1B. Last evaluated: 2021-07-15. Review status: criteria provided, single submitter. Criteria: ACMG Guidelines, 2015. Collection method: clinical testing. Allele origin: unknown.

GeneDx
Classification: Likely benign. Last evaluated: 2021-06-24. Review status: criteria provided, single submitter. Criteria: GeneDx Variant Classification Process June 2021. Collection method: clinical testing. Allele origin: germline. Affected: yes.

Illumina Laboratory Services, Illumina
Classification: Benign for Peroxisome biogenesis disorder 1A (Zellweger). Last evaluated: 2018-01-12. Review status: criteria provided, single submitter. Criteria: ICSL Variant Classification Criteria 13 December 2019. Collection method: clinical testing. Allele origin: germline.
Comment: This variant was observed in the ICSL laboratory as part of a predisposition screen in an ostensibly healthy population. It had not been previously curated by ICSL or reported in the Human Gene Mutation Database (HGMD: prior to June 1st, 2018), and was therefore a candidate for classification through an automated scoring system. Utilizing variant allele frequency, disease prevalence and penetrance estimates, and inheritance mode, an automated score was calculated to assess if this variant is too frequent to cause the disease. Based on the score and internal cut-off values, a variant classified as benign is not then subjected to further curation. The score for this variant resulted in a classification of benign for this disease.

Breakthrough Genomics
Classification: Likely benign. Review status: criteria provided, single submitter. Criteria: ACMG Guidelines, 2015. Collection method: not provided. Allele origin: germline. Inheritance: Autosomal recessive inheritance. Affected: yes.

PreventionGenetics, part of Exact Sciences
Classification: Benign. Review status: criteria provided, single submitter. Criteria: ACMG Guidelines, 2015. Collection method: clinical testing. Allele origin: germline.

Natera, Inc.
Classification: Benign for Zellweger syndrome. Last evaluated: 2017-05-11. Review status: no assertion criteria provided. Collection method: clinical testing. Allele origin: germline. Not counted in ClinVar's aggregate classification.

Clinical Genetics DNA and cytogenetics Diagnostics Lab, Erasmus MC, Erasmus Medical Center
Classification: Likely benign. Review status: no assertion criteria provided. Collection method: clinical testing. Allele origin: germline. Affected: yes. Study: VKGL Data-share Consensus. Not counted in ClinVar's aggregate classification.

Clinical Genetics, Academic Medical Center
Classification: Benign. Review status: no assertion criteria provided. Collection method: clinical testing. Allele origin: germline. Affected: yes. Study: VKGL Data-share Consensus. Not counted in ClinVar's aggregate classification.

NM_000466.3(PEX1):c.1521G>C (p.Trp507Cys)

Gene: PEX1 (peroxisomal biogenesis factor 1; minus strand). Cytogenetic location: 7q21.2.
Variant type: single nucleotide variant.
Coding change: c.1521G>C on transcript NM_000466.3 (MANE Select); coding-DNA position 1521, G replaced by C.
Protein change: p.Trp507Cys; replaces tryptophan 507 with cysteine.
Molecular consequence: missense variant.
Genome position (GRCh38, 1-based): chr7:92,511,010, C>G on the plus strand (G>C on the coding strand, the complement: PEX1 is on the minus strand). VCF-style: chr7-92511010-C-G. GRCh37 (hg19) VCF-style: chr7-92140324-C-G.
Other names: c.1521G>C, p.Trp507Cys (NM_001282677.2); c.897G>C, p.Trp299Cys (NM_001282678.2); short protein forms W507C, W299C.
Identifiers: ClinVar variation 256217 (VCV000256217.26), dbSNP rs112822975, ClinGen allele CA4341378.